The following is an entry in ClinVar:

ClinVar aggregate classification (germline): Uncertain significance (1 of 4 stars; one submission).

Submission:

GeneDx
Classification: Uncertain significance. Last evaluated: 2025-05-13. Review status: criteria provided, single submitter. Criteria: GeneDx Variant Classification Process June 2021. Collection method: clinical testing. Allele origin: germline. Affected: yes.
Comment: Not observed at significant frequency in large population cohorts (gnomAD); In silico analysis suggests that this missense variant does not alter protein structure/function; Has not been previously published as pathogenic or benign to our knowledge

NM_003470.3(USP7):c.607G>A (p.Val203Ile)

Gene: USP7 (ubiquitin specific peptidase 7; minus strand). Cytogenetic location: 16p13.2.
Variant type: single nucleotide variant.
Coding change: c.607G>A on transcript NM_003470.3 (MANE Select); coding-DNA position 607, G replaced by A.
Protein change: p.Val203Ile; replaces valine 203 with isoleucine.
Molecular consequence: missense variant. On other transcripts: non-coding transcript variant (1).
Genome position (GRCh38, 1-based): chr16:8,920,363, C>T on the plus strand (G>A on the coding strand, the complement: USP7 is on the minus strand). VCF-style: chr16-8920363-C-T. GRCh37 (hg19) VCF-style: chr16-9014220-C-T.
Other names: c.559G>A, p.Val187Ile (NM_001286457.2); c.310G>A, p.Val104Ile (NM_001286458.2); c.433G>A, p.Val145Ile (NM_001321858.2); short protein forms V104I, V145I, V187I, V203I.
Identifiers: ClinVar variation 4529881 (VCV004529881.1).